The following is an entry in ClinVar:

NM_017999.5(RNF31):c.2486A>G (p.Lys829Arg)

Gene: RNF31 (ring finger protein 31; plus strand). Cytogenetic location: 14q12.
Variant type: single nucleotide variant.
Coding change: c.2486A>G on transcript NM_017999.5 (MANE Select); coding-DNA position 2486, A replaced by G.
Protein change: p.Lys829Arg; replaces lysine 829 with arginine.
Molecular consequence: missense variant.
Genome position (GRCh38, 1-based): chr14:24,155,685, A>G. VCF-style: chr14-24155685-A-G. GRCh37 (hg19) VCF-style: chr14-24624894-A-G.
Other names: c.2033A>G, p.Lys678Arg (NM_001310332.2); short protein forms K678R, K829R.
Identifiers: ClinVar variation 2981649 (VCV002981649.3), dbSNP rs2502015639, ClinGen allele CA389303603.
Genomic context (GRCh38, chr14:24,155,685, plus strand): 5'-AGCGTGAGCAGCTGGAGGCAACTTGTCCCCAGTGTCACCAGACCTTCTGTGTGCGCTGCA[A>G]GCGCCAGGTGAGGCACATTCATCCTTTCAGAAATACTTGCTGAGCTACTGCCAGGTACTG-3'
Protein context (NP_060469.4, residues 819-839): QCHQTFCVRC[Lys829Arg]RQWEEQHRGR

ClinVar aggregate classification (germline): Uncertain significance (1 of 4 stars; one submission).

Allele frequency attached by ClinVar (database versions not stated): gnomAD exomes 0.00001.
gnomAD v4.1: 5 of 1,613,902 alleles (0.00031%); highest among the groups gnomAD compares: Non-Finnish European, 0.00042%; no homozygotes.

Submission:

Labcorp Genetics (formerly Invitae), Labcorp
Classification: Uncertain significance. Last evaluated: 2023-08-25. Review status: criteria provided, single submitter. Criteria: Invitae Variant Classification Sherloc (09022015). Collection method: clinical testing. Allele origin: germline.
Comment: This variant has not been reported in the literature in individuals affected with RNF31-related conditions. This variant is not present in population databases (gnomAD no frequency). This sequence change replaces lysine, which is basic and polar, with arginine, which is basic and polar, at codon 829 of the RNF31 protein (p.Lys829Arg). An algorithm developed to predict the effect of missense changes on protein structure and function (PolyPhen-2) suggests that this variant is likely to be disruptive. In summary, the available evidence is currently insufficient to determine the role of this variant in disease. Therefore, it has been classified as a Variant of Uncertain Significance.